The following is an entry in ClinVar:

NM_000553.6(WRN):c.214dup (p.Ser72fs)

Gene: WRN (WRN RecQ like helicase; plus strand). Cytogenetic location: 8p12.
Variant type: Duplication.
Coding change: c.214dup on transcript NM_000553.6 (MANE Select); coding-DNA position 214, one base duplicated (A; older notation c.214dupA).
Protein change: p.Ser72fs; shifts the reading frame from serine 72.
Molecular consequence: frameshift variant.
Genome position (GRCh38, 1-based): chr8:31,064,293, A duplicated. VCF-style (leftmost placement, unchanged base first): chr8-31064292-G-GA. GRCh37 (hg19) VCF-style: chr8-30921808-G-GA.
Other names: short protein forms S72fs.
Identifiers: ClinVar variation 2742858 (VCV002742858.3), dbSNP rs2535880664, ClinGen allele CA2697549818.

ClinVar aggregate classification (germline): Pathogenic (1 of 4 stars; one submission).

Conditions:
Werner syndrome (WRN). Identifiers: Orphanet 902, MedGen C0043119, MONDO:0010196, OMIM 277700.

Submission:

Labcorp Genetics (formerly Invitae), Labcorp
Classification: Pathogenic for Werner syndrome. Last evaluated: 2023-07-13. Review status: criteria provided, single submitter. Criteria: Invitae Variant Classification Sherloc (09022015). Collection method: clinical testing. Allele origin: germline.
Comment: For these reasons, this variant has been classified as Pathogenic. This variant has not been reported in the literature in individuals affected with WRN-related conditions. This variant is not present in population databases (gnomAD no frequency). This sequence change creates a premature translational stop signal (p.Ser72Lysfs*11) in the WRN gene. It is expected to result in an absent or disrupted protein product. Loss-of-function variants in WRN are known to be pathogenic (PMID: 16673358).

Literature cited by the submitters: PubMed 16673358.